The following is an entry in ClinVar:

ClinVar aggregate classification (germline): Benign/Likely benign. Review status: criteria provided, multiple submitters, no conflicts (2 of 4 stars). 4 submissions from 4 submitters: Benign (2); Likely benign (1). 1 of the submissions does not count toward it. Last evaluated 2026-08-01.

Conditions:
MADD-related disorder. Also called: MADD-related condition; MADD-Related Disorders.

Allele frequency attached by ClinVar (database versions not stated): ESP Exome Variant Server 0.00115; gnomAD 0.00153 and 0.00164; 1000 Genomes Project 0.00160; 1000 Genomes Project 30x 0.00187; TOPMed 0.00190; gnomAD exomes 0.00015 and 0.00039; ExAC 0.00047.
gnomAD v4.1: 465 of 1,614,046 alleles (0.029%); highest among the groups gnomAD compares: African/African-American, 0.54%; 1 homozygote.

Submissions (4):

CeGaT Center for Human Genetics Tuebingen
Classification: Likely benign. Last evaluated: 2026-08-01. Review status: criteria provided, single submitter. Criteria: CeGaT Center For Human Genetics Tuebingen Variant Classification Criteria Version 2. Collection method: clinical testing. Allele origin: germline. Affected: yes. Observed: 1 variant allele.
Comment: MADD: BP4, BP7

Labcorp Genetics (formerly Invitae), Labcorp
Classification: Benign. Last evaluated: 2019-12-31. Review status: criteria provided, single submitter. Criteria: Invitae Variant Classification Sherloc (09022015). Collection method: clinical testing. Allele origin: germline.

Breakthrough Genomics
Classification: Benign. Review status: criteria provided, single submitter. Criteria: ACMG Guidelines, 2015. Collection method: not provided. Allele origin: germline. Inheritance: Autosomal recessive inheritance. Affected: yes.

PreventionGenetics, part of Exact Sciences
Classification: Likely benign for MADD-related condition. Last evaluated: 2019-08-08. Review status: no assertion criteria provided. Collection method: clinical testing. Allele origin: germline. Not counted in ClinVar's aggregate classification.
Comment: This variant is classified as likely benign based on ACMG/AMP sequence variant interpretation guidelines (Richards et al. 2015 PMID: 25741868, with internal and published modifications).

NM_001376571.1(MADD):c.1806T>A (p.Ala602=)

Gene: MADD (MAP kinase activating death domain; plus strand). Cytogenetic location: 11p11.2.
Variant type: single nucleotide variant.
Coding change: c.1806T>A on transcript NM_001376571.1 (MANE Select); coding-DNA position 1806, T replaced by A.
Protein change: p.Ala602=; no amino-acid change (alanine 602 retained).
Molecular consequence: synonymous variant. On other transcripts: non-coding transcript variant (8).
Genome position (GRCh38, 1-based): chr11:47,282,913, T>A. VCF-style: chr11-47282913-T-A. GRCh37 (hg19) VCF-style: chr11-47304464-T-A.
Other names: c.1806T>A, p.Ala602= (NM_001135943.2, NM_001135944.2, NM_001376572.1 and 80 more transcripts); c.1602T>A, p.Ala534= (NM_001376620.1, NM_001376626.1, NM_001376627.1 and 9 more transcripts); c.1140T>A, p.Ala380= (NM_001376663.1).
Identifiers: ClinVar variation 723531 (VCV000723531.9), dbSNP rs35135181, ClinGen allele CA5974237.